The following is an entry in ClinVar:

ClinVar aggregate classification (germline): Benign. Review status: criteria provided, multiple submitters, no conflicts (2 of 4 stars). 2 submissions from 2 submitters: Benign (2). Last evaluated 2021-07-10.

Conditions:
Pontocerebellar hypoplasia type 6 (PCH6). Identifiers: Orphanet 166073, MedGen C1969084, MONDO:0012683, OMIM 611523.

Allele frequency attached by ClinVar (database versions not stated): ExAC 0.57370; gnomAD exomes 0.57761; ESP Exome Variant Server 0.60649; gnomAD 0.60954 and 0.61345; TOPMed 0.62928; 1000 Genomes Project 0.63918; 1000 Genomes Project 30x 0.64991.
gnomAD v4.1: 891,837 of 1,609,156 alleles (55%); highest among the groups gnomAD compares: African/African-American, 76%; 250,697 homozygotes.

Submissions (2):

Genome-Nilou Lab
Classification: Benign for Pontocerebellar hypoplasia type 6. Last evaluated: 2021-07-10. Review status: criteria provided, single submitter. Criteria: ACMG Guidelines, 2015. Collection method: clinical testing. Allele origin: germline. Affected: no.

GeneDx
Classification: Benign. Last evaluated: 2018-06-18. Review status: criteria provided, single submitter. Criteria: GeneDx Variant Classification (06012015). Collection method: clinical testing. Allele origin: germline. Affected: yes.
Comment: This variant is considered likely benign or benign based on one or more of the following criteria: it is a conservative change, it occurs at a poorly conserved position in the protein, it is predicted to be benign by multiple in silico algorithms, and/or has population frequency not consistent with disease.

NM_020320.5(RARS2):c.1512-43T>C

Gene: RARS2 (arginyl-tRNA synthetase 2, mitochondrial; minus strand). Cytogenetic location: 6q15.
Variant type: single nucleotide variant.
Coding change: c.1512-43T>C on transcript NM_020320.5 (MANE Select); 43 bases into the intron before coding-DNA position 1512, T replaced by C.
Molecular consequence: intron variant.
Genome position (GRCh38, 1-based): chr6:87,516,923, A>G on the plus strand (T>C on the coding strand, the complement: RARS2 is on the minus strand). VCF-style: chr6-87516923-A-G. GRCh37 (hg19) VCF-style: chr6-88226641-A-G.
Other names: c.1512-43T>C (NM_001350505.2); c.987-43T>C (NM_001350509.2, NM_001318785.2, NM_001350506.2 and 4 more transcripts).
Identifiers: ClinVar variation 671612 (VCV000671612.4), dbSNP rs9450723, ClinGen allele CA3916244.
Genomic context (GRCh38, chr6:87,516,923, plus strand): 5'-TAAAGCACCTCGTCGAACCTAAAAGATGACAGGAACAGTGAACAGGAAAAGACTGTACAC[A>G]TTACACTAAGACATTAGACATTAAAAGATTGTGAATATAAGGTTGACTCGACACGATTAA-3'